The following is an entry in ClinVar:

NM_000038.6(APC):c.2879C>G (p.Ser960Ter)

Gene: APC (APC regulator of Wnt signaling pathway; plus strand). Cytogenetic location: 5q22.2.
Variant type: single nucleotide variant.
Coding change: c.2879C>G on transcript NM_000038.6 (MANE Select); coding-DNA position 2879, C replaced by G.
Protein change: p.Ser960Ter; replaces serine 960 with a stop codon.
Molecular consequence: nonsense. On other transcripts: non-coding transcript variant (2).
Genome position (GRCh38, 1-based): chr5:112,838,473, C>G. VCF-style: chr5-112838473-C-G. GRCh37 (hg19) VCF-style: chr5-112174170-C-G.
Other names: c.2879C>G, p.Ser960Ter (NM_001127510.3, NM_001354895.2, NM_001407450.1); c.2825C>G, p.Ser942Ter (NM_001127511.3); c.2933C>G, p.Ser978Ter (NM_001354896.2, NM_001407447.1, NM_001407448.1 and 1 more transcripts); c.2909C>G, p.Ser970Ter (NM_001354897.2); c.2804C>G, p.Ser935Ter (NM_001354898.2); c.2795C>G, p.Ser932Ter (NM_001354899.2); c.2756C>G, p.Ser919Ter (NM_001354900.2); c.2702C>G, p.Ser901Ter (NM_001354901.2, NM_001407453.1); and 11 more; short protein forms S576*, S677*, S800*, S831*, S834*, S859*, S869*, S877*.
Identifiers: ClinVar variation 2584084 (VCV002584084.1), dbSNP rs2149879342, ClinGen allele CA16027612.

ClinVar aggregate classification (germline): Pathogenic (1 of 4 stars; one submission).

Conditions:
Familial adenomatous polyposis 1 (FAP1). Also called: FAMILIAL ADENOMATOUS POLYPOSIS 1, ATTENUATED; POLYPOSIS, ADENOMATOUS INTESTINAL. Identifiers: MedGen C2713442, MONDO:0021056, OMIM 175100. Disease mechanism: loss of function.

Submission:

Myriad Genetics, Inc.
Classification: Pathogenic for Familial adenomatous polyposis 1. Last evaluated: 2023-05-05. Review status: criteria provided, single submitter. Criteria: Myriad Autosomal Dominant, Autosomal Recessive and X-Linked Classification Criteria (2023). Collection method: clinical testing. Allele origin: unknown.
Comment: This variant is considered pathogenic. This variant creates a termination codon and is predicted to result in premature protein truncation.